The following is an entry in ClinVar:

ClinVar aggregate classification (germline): Conflicting classifications of pathogenicity. Review status: criteria provided, conflicting classifications (1 of 4 stars). 2 submissions from 2 submitters: Uncertain significance (1); Likely benign (1). Last evaluated 2025-10-13.

Conditions:
Hereditary cancer-predisposing syndrome. Also called: Tumor predisposition; Neoplastic Syndromes, Hereditary; Hereditary Cancer Syndrome; Hereditary neoplastic syndrome. Identifiers: Orphanet 140162, MedGen C0027672, MeSH D009386, MONDO:0015356.
Neuroblastoma, susceptibility to, 3. Also called: ALK-Related Neuroblastic Tumor Susceptibility. Identifiers: Orphanet 635, MedGen C2751681, MONDO:0013083, OMIM 613014.

Allele frequency attached by ClinVar (database versions not stated): gnomAD exomes 0.00001; ExAC 0.00002.
gnomAD v4.1: 8 of 1,591,042 alleles (0.0005%); highest among the groups gnomAD compares: Non-Finnish European, 0.00068%; no homozygotes.

Submissions (2):

Labcorp Genetics (formerly Invitae), Labcorp
Classification: Uncertain significance for Neuroblastoma, susceptibility to, 3. Last evaluated: 2025-10-13. Review status: criteria provided, single submitter. Criteria: Invitae Variant Classification Sherloc (09022015). Collection method: clinical testing. Allele origin: germline.
Comment: This sequence change replaces glutamic acid, which is acidic and polar, with lysine, which is basic and polar, at codon 1435 of the ALK protein (p.Glu1435Lys). This variant is present in population databases (rs769694344, gnomAD 0.001%). This variant has not been reported in the literature in individuals affected with ALK-related conditions. ClinVar contains an entry for this variant (Variation ID: 404351). An algorithm developed to predict the effect of missense changes on protein structure and function (PolyPhen-2) suggests that this variant is likely to be tolerated. In summary, the available evidence is currently insufficient to determine the role of this variant in disease. Therefore, it has been classified as a Variant of Uncertain Significance.

Ambry Genetics
Classification: Likely benign for Hereditary cancer-predisposing syndrome. Last evaluated: 2024-12-23. Review status: criteria provided, single submitter. Criteria: Ambry Variant Classification Scheme 2023. Collection method: clinical testing. Allele origin: germline.

NM_004304.5(ALK):c.4303G>A (p.Glu1435Lys)

Gene: ALK (ALK receptor tyrosine kinase; minus strand). Cytogenetic location: 2p23.2.
Variant type: single nucleotide variant.
Coding change: c.4303G>A on transcript NM_004304.5 (MANE Select); coding-DNA position 4303, G replaced by A.
Protein change: p.Glu1435Lys; replaces glutamic acid 1435 with lysine.
Molecular consequence: missense variant.
Genome position (GRCh38, 1-based): chr2:29,193,784, C>T on the plus strand (G>A on the coding strand, the complement: ALK is on the minus strand). VCF-style: chr2-29193784-C-T. GRCh37 (hg19) VCF-style: chr2-29416650-C-T.
Other names: c.1099G>A, p.Glu367Lys (NM_001353765.2); short protein forms E1435K, E367K.
Identifiers: ClinVar variation 404351 (VCV000404351.7), dbSNP rs769694344, ClinGen allele CA1593602.